The following is an entry in ClinVar:

NM_000059.4(BRCA2):c.1240_1245delinsAA (p.Leu414fs)

Gene: BRCA2 (BRCA2 DNA repair associated; plus strand). Cytogenetic location: 13q13.1.
Variant type: Indel.
Coding change: c.1240_1245delinsAA on transcript NM_000059.4 (MANE Select); coding-DNA positions 1240 to 1245, TTGCAT replaced by AA.
Protein change: p.Leu414fs; shifts the reading frame from leucine 414.
Molecular consequence: frameshift variant. On other transcripts: non-coding transcript variant (1), intron variant (1).
Genome position (GRCh38, 1-based): chr13:32,332,718-32,332,723, TTGCAT replaced by AA. VCF-style: chr13-32332718-TTGCAT-AA. GRCh37 (hg19) VCF-style: chr13-32906855-TTGCAT-AA.
Other names: c.1240_1245delinsAA, p.Leu414fs (NM_001406719.1, NM_001406720.1, NM_001406721.1 and 1 more transcripts); c.424+1688_424+1693delinsAA (NM_001406722.1); short protein forms L414fs.
Identifiers: ClinVar variation 4856725 (VCV004856725.1).

ClinVar aggregate classification (germline): Pathogenic (1 of 4 stars; one submission).

Conditions:
Breast-ovarian cancer, familial, susceptibility to, 2 (BROVCA2). Also called: BRCA2 Hereditary Breast and Ovarian Cancer. Identifiers: Orphanet 145, MedGen C2675520, MONDO:0012933, OMIM 612555. Disease mechanism: loss of function.

Submission:

Myriad Genetics, Inc.
Classification: Pathogenic for Breast-ovarian cancer, familial, susceptibility to, 2. Last evaluated: 2026-02-02. Review status: criteria provided, single submitter. Criteria: Myriad Autosomal Dominant, Autosomal Recessive and X-Linked Classification Criteria (2023). Collection method: clinical testing. Allele origin: unknown.
Comment: This variant is considered pathogenic. This variant creates a frameshift predicted to result in premature protein truncation.